The following is an entry in ClinVar:

ClinVar aggregate classification (germline): Conflicting classifications of pathogenicity. Review status: criteria provided, conflicting classifications (1 of 4 stars). 2 submissions from 2 submitters: Pathogenic (1); Uncertain significance (1). Last evaluated 2021-06-25.

Conditions:
Hereditary cancer-predisposing syndrome. Also called: Hereditary neoplastic syndrome; Hereditary Cancer Syndrome; Neoplastic Syndromes, Hereditary; Tumor predisposition. Identifiers: Orphanet 140162, MedGen C0027672, MeSH D009386, MONDO:0015356.
Cardiovascular phenotype. Identifiers: MedGen CN230736.

Submissions (2):

Ambry Genetics
Classification: Pathogenic for Cardiovascular phenotype; Hereditary cancer-predisposing syndrome. Last evaluated: 2021-06-25. Review status: criteria provided, single submitter. Criteria: Ambry Variant Classification Scheme 2023. Collection method: clinical testing. Allele origin: germline.
Comment: The p.M1? pathogenic mutation (also known as c.1A>G) is located in coding exon 1 of the LZTR1 gene and results from an A to G substitution at nucleotide position 1. This alters the methionine residue at the initiation codon (ATG). This variant is considered to be rare based on population cohorts in the Genome Aggregation Database (gnomAD). Sequence variations that modify the initiation codon are expected to result in either loss of translation initiation, N-terminal truncation, or cause a shift in the mRNA reading frame. Based on the supporting evidence, this variant is pathogenic for an increased risk of nerve sheath tumors and would be expected to cause autosomal recessive Noonan syndrome when present along with a second pathogenic or likely pathogenic variant on the other allele.

Labcorp Genetics (formerly Invitae), Labcorp
Classification: Uncertain significance. Last evaluated: 2021-03-10. Review status: criteria provided, single submitter. Criteria: Invitae Variant Classification Sherloc (09022015). Collection method: clinical testing. Allele origin: germline.
Comment: This sequence change affects the initiator methionine of the LZTR1 mRNA. The next in-frame methionine is located at codon 91. The frequency data for this variant in the population databases is considered unreliable, as metrics indicate insufficient coverage at this position in the ExAC database. This variant has not been reported in the literature in individuals with LZTR1-related conditions. Experimental studies and prediction algorithms are not available or were not evaluated, and the functional significance of this variant is currently unknown. In summary, the available evidence is currently insufficient to determine the role of this variant in disease. Therefore, it has been classified as a Variant of Uncertain Significance.

NM_006767.4(LZTR1):c.1A>G (p.Met1Val)

Genes: LZTR1 (leucine zipper like post translational regulator 1; plus strand), LOC130067016 (ATAC-STARR-seq lymphoblastoid silent region 13504; plus strand). Cytogenetic location: 22q11.21.
Variant type: single nucleotide variant.
Coding change: c.1A>G on transcript NM_006767.4 (MANE Select); coding-DNA position 1, A replaced by G.
Protein change: p.Met1Val; changes the start codon (methionine 1).
Molecular consequence: missense variant, initiator codon variant.
Genome position (GRCh38, 1-based): chr22:20,982,372, A>G. VCF-style: chr22-20982372-A-G. GRCh37 (hg19) VCF-style: chr22-21336661-A-G.
Other names: short protein forms M1V.
Identifiers: ClinVar variation 1403744 (VCV001403744.10), dbSNP rs1569152752, ClinGen allele CA410777377.
Genomic context (GRCh38, chr22:20,982,372, plus strand): 5'-GGCCCGGGGCGGTGGCCGCAAGTTGGGCTTACAGCGCGGCCGATCCGGCGTGGACCCGGG[A>G]TGGCTGGACCGGGCAGCACGGGGGGGCAGATCGGGGCTGCGGCCCTGGCAGGCGGCGCGC-3'
Protein context (NP_006758.2, residues 1-11): [Met1Val]AGPGSTGGQI